The following is an entry in ClinVar:

NM_015338.6(ASXL1):c.2483G>A (p.Gly828Asp)

Gene: ASXL1 (ASXL transcriptional regulator 1; plus strand). Cytogenetic location: 20q11.21.
Variant type: single nucleotide variant.
Coding change: c.2483G>A on transcript NM_015338.6 (MANE Select); coding-DNA position 2483, G replaced by A.
Protein change: p.Gly828Asp; replaces glycine 828 with aspartic acid.
Molecular consequence: missense variant.
Genome position (GRCh38, 1-based): chr20:32,435,195, G>A. VCF-style: chr20-32435195-G-A. GRCh37 (hg19) VCF-style: chr20-31022998-G-A.
Other names: c.2300G>A, p.Gly767Asp (NM_001363734.1); short protein forms G767D, G828D.
Identifiers: ClinVar variation 2076402 (VCV002076402.4), dbSNP rs372805894, ClinGen allele CA9808632.

ClinVar aggregate classification (germline): Uncertain significance (1 of 4 stars; one submission).

Allele frequency attached by ClinVar (database versions not stated): ExAC 0.00002; ESP Exome Variant Server 0.00008; 1000 Genomes Project 30x 0.00016; gnomAD 0.00003; TOPMed 0.00005; gnomAD exomes below 0.00001; 1000 Genomes Project 0.00020.
gnomAD v4.1: 12 of 1,613,952 alleles (0.00074%); highest among the groups gnomAD compares: African/African-American, 0.015%; no homozygotes.

Submission:

Labcorp Genetics (formerly Invitae), Labcorp
Classification: Uncertain significance. Last evaluated: 2023-05-22. Review status: criteria provided, single submitter. Criteria: Invitae Variant Classification Sherloc (09022015). Collection method: clinical testing. Allele origin: germline.
Comment: This sequence change replaces glycine, which is neutral and non-polar, with aspartic acid, which is acidic and polar, at codon 828 of the ASXL1 protein (p.Gly828Asp). In summary, the available evidence is currently insufficient to determine the role of this variant in disease. Therefore, it has been classified as a Variant of Uncertain Significance. Algorithms developed to predict the effect of missense changes on protein structure and function output the following: SIFT: "Not Available"; PolyPhen-2: "Benign"; Align-GVGD: "Not Available". The aspartic acid amino acid residue is found in multiple mammalian species, which suggests that this missense change does not adversely affect protein function. ClinVar contains an entry for this variant (Variation ID: 2076402). This variant has not been reported in the literature in individuals affected with ASXL1-related conditions. This variant is present in population databases (rs372805894, gnomAD 0.03%).